The following is an entry in ClinVar:

ClinVar aggregate classification (germline): Likely benign (1 of 4 stars; one submission).

Allele frequency attached by ClinVar (database versions not stated): gnomAD 0.00001; ExAC 0.00002; gnomAD exomes 0.00003; TOPMed 0.00004.
gnomAD v4.1: 39 of 1,562,548 alleles (0.0025%); highest among the groups gnomAD compares: Non-Finnish European, 0.0033%; no homozygotes.

Submission:

CeGaT Center for Human Genetics Tuebingen
Classification: Likely benign. Last evaluated: 2022-12-01. Review status: criteria provided, single submitter. Criteria: CeGaT Center For Human Genetics Tuebingen Variant Classification Criteria Version 2. Collection method: clinical testing. Allele origin: germline. Affected: yes. Observed: 1 variant allele.
Comment: VKORC1L1: BP4, BP7

NM_173517.6(VKORC1L1):c.174C>T (p.Cys58=)

Gene: VKORC1L1 (vitamin K epoxide reductase complex subunit 1L1; plus strand). Cytogenetic location: 7q11.21.
Variant type: single nucleotide variant.
Coding change: c.174C>T on transcript NM_173517.6 (MANE Select); coding-DNA position 174, C replaced by T.
Protein change: p.Cys58=; no amino-acid change (cysteine 58 retained).
Molecular consequence: synonymous variant.
Genome position (GRCh38, 1-based): chr7:65,873,545, C>T. VCF-style: chr7-65873545-C-T. GRCh37 (hg19) VCF-style: chr7-65338532-C-T.
Other names: c.174C>T, p.Cys58= (NM_001284342.3).
Identifiers: ClinVar variation 2657524 (VCV002657524.24), dbSNP rs754778102, ClinGen allele CA4276031.